The following is an entry in ClinVar:

NM_205836.3(FBXO38):c.193A>G (p.Thr65Ala)

Gene: FBXO38 (F-box protein 38; plus strand). Cytogenetic location: 5q32.
Variant type: single nucleotide variant.
Coding change: c.193A>G on transcript NM_205836.3 (MANE Select); coding-DNA position 193, A replaced by G.
Protein change: p.Thr65Ala; replaces threonine 65 with alanine.
Molecular consequence: missense variant.
Genome position (GRCh38, 1-based): chr5:148,399,063, A>G. VCF-style: chr5-148399063-A-G. GRCh37 (hg19) VCF-style: chr5-147778626-A-G.
Other names: c.193A>G, p.Thr65Ala (NM_001271723.2, NM_030793.5); short protein forms T65A.
Identifiers: ClinVar variation 2850397 (VCV002850397.3), dbSNP rs2531697308, ClinGen allele CA361654196.

ClinVar aggregate classification (germline): Uncertain significance (1 of 4 stars; one submission).

Conditions:
Distal hereditary motor neuropathy type 2. Identifiers: Orphanet 139525, MedGen C3711384, MeSH C580044, MONDO:0015352.

Submission:

Labcorp Genetics (formerly Invitae), Labcorp
Classification: Uncertain significance for Distal hereditary motor neuropathy type 2. Last evaluated: 2023-03-27. Review status: criteria provided, single submitter. Criteria: Invitae Variant Classification Sherloc (09022015). Collection method: clinical testing. Allele origin: germline.
Comment: This variant is not present in population databases (gnomAD no frequency). In summary, the available evidence is currently insufficient to determine the role of this variant in disease. Therefore, it has been classified as a Variant of Uncertain Significance. Advanced modeling of protein sequence and biophysical properties (such as structural, functional, and spatial information, amino acid conservation, physicochemical variation, residue mobility, and thermodynamic stability) performed at Invitae indicates that this missense variant is not expected to disrupt FBXO38 protein function. This variant has not been reported in the literature in individuals affected with FBXO38-related conditions. This sequence change replaces threonine, which is neutral and polar, with alanine, which is neutral and non-polar, at codon 65 of the FBXO38 protein (p.Thr65Ala).